The following is an entry in ClinVar:

NM_014000.3(VCL):c.20G>T (p.Arg7Leu)

Genes: VCL (vinculin; plus strand), LOC130004109 (ATAC-STARR-seq lymphoblastoid active region 3587; plus strand). Cytogenetic location: 10q22.2.
Variant type: single nucleotide variant.
Coding change: c.20G>T on transcript NM_014000.3 (MANE Select); coding-DNA position 20, G replaced by T.
Protein change: p.Arg7Leu; replaces arginine 7 with leucine.
Molecular consequence: missense variant.
Genome position (GRCh38, 1-based): chr10:73,998,227, G>T. VCF-style: chr10-73998227-G-T. GRCh37 (hg19) VCF-style: chr10-75757985-G-T.
Other names: c.20G>T, p.Arg7Leu (NM_003373.4); short protein forms R7L.
Identifiers: ClinVar variation 640967 (VCV000640967.14), dbSNP rs764871020, ClinGen allele CA5562694.

ClinVar aggregate classification (germline): Uncertain significance. Review status: criteria provided, multiple submitters, no conflicts (2 of 4 stars). 4 submissions from 4 submitters: Uncertain significance (4). Last evaluated 2025-10-25.

Conditions:
Hypertrophic cardiomyopathy 15. Identifiers: MedGen C2750459, MONDO:0013200, OMIM 613255.
Dilated cardiomyopathy 1W (CMD1W). Identifiers: Orphanet 154, MedGen C1969639, MONDO:0012667, OMIM 611407.
Cardiovascular phenotype. Identifiers: MedGen CN230736.

Allele frequency attached by ClinVar (database versions not stated): ExAC 0.00001.
gnomAD v4.1: 47 of 1,612,820 alleles (0.0029%); highest among the groups gnomAD compares: Non-Finnish European, 0.004%; no homozygotes.

Submissions (4):

Labcorp Genetics (formerly Invitae), Labcorp
Classification: Uncertain significance for Dilated cardiomyopathy 1W. Last evaluated: 2025-10-25. Review status: criteria provided, single submitter. Criteria: Invitae Variant Classification Sherloc (09022015). Collection method: clinical testing. Allele origin: germline.
Comment: This sequence change replaces arginine, which is basic and polar, with leucine, which is neutral and non-polar, at codon 7 of the VCL protein (p.Arg7Leu). This variant is present in population databases (rs764871020, gnomAD 0.002%). This missense change has been observed in individual(s) with dilated cardiomyopathy (internal data). ClinVar contains an entry for this variant (Variation ID: 640967). An algorithm developed to predict the effect of missense changes on protein structure and function (PolyPhen-2) suggests that this variant is likely to be disruptive. In summary, the available evidence is currently insufficient to determine the role of this variant in disease. Therefore, it has been classified as a Variant of Uncertain Significance.

Ambry Genetics
Classification: Uncertain significance for Cardiovascular phenotype. Last evaluated: 2025-08-19. Review status: criteria provided, single submitter. Criteria: Ambry Variant Classification Scheme 2023. Collection method: clinical testing. Allele origin: germline.
Comment: The p.R7L variant (also known as c.20G>T), located in coding exon 1 of the VCL gene, results from a G to T substitution at nucleotide position 20. The arginine at codon 7 is replaced by leucine, an amino acid with dissimilar properties. This amino acid position is conserved. In addition, this alteration is predicted to be tolerated by in silico analysis. Based on the available evidence, the clinical significance of this variant remains unclear.

GeneDx
Classification: Uncertain significance. Last evaluated: 2024-07-14. Review status: criteria provided, single submitter. Criteria: GeneDx Variant Classification Process June 2021. Collection method: clinical testing. Allele origin: germline.
Comment: Has not been previously published as pathogenic or benign to our knowledge; Not observed at significant frequency in large population cohorts (gnomAD); In silico analysis supports that this missense variant has a deleterious effect on protein structure/function

Fulgent Genetics
Classification: Uncertain significance for Dilated cardiomyopathy 1W; Hypertrophic cardiomyopathy 15. Last evaluated: 2021-08-19. Review status: criteria provided, single submitter. Criteria: ACMG Guidelines, 2015. Collection method: clinical testing. Allele origin: unknown.